The following is an entry in ClinVar:

ClinVar aggregate classification (germline): Pathogenic (1 of 4 stars; one submission).

Conditions:
Classic homocystinuria. Also called: Homocystinuria due to Cystathionine Beta-Synthase Deficiency; HOMOCYSTINURIA WITH OR WITHOUT RESPONSE TO PYRIDOXINE; Homocystinuria due to CBS deficiency; Cystathionine beta-synthase deficiency; CBS deficiency. Identifiers: Orphanet 394, MedGen C0751202, MONDO:0009352, OMIM 236200.

Submission:

Juno Genomics, Hangzhou Juno Genomics, Inc
Classification: Pathogenic for Classic homocystinuria. Review status: criteria provided, single submitter. Criteria: ACMG Guidelines, 2015. Collection method: clinical testing. Allele origin: germline. Affected: yes.
Comment: Null variant in a gene where loss of function (LOF) is a known mechanism of disease.;Absent from controls (or at extremely low frequency if recessive) in Genome Aggregation Database, Exome Sequencing Project, 1000 Genomes Project, or Exome Aggregation Consortium.;For recessive disorders, detected in trans with a pathogenic variant.

NM_000071.3(CBS):c.556dup (p.Ala186fs)

Gene: CBS (cystathionine beta-synthase; minus strand). Cytogenetic location: 21q22.3.
Variant type: Duplication.
Coding change: c.556dup on transcript NM_000071.3 (MANE Select); coding-DNA position 556, one base duplicated (G; older notation c.556dupG).
Protein change: p.Ala186fs; shifts the reading frame from alanine 186.
Molecular consequence: frameshift variant.
Genome position (GRCh38, 1-based): chr21:43,065,497, C duplicated on the plus strand (G on the coding strand, the reverse complement: CBS is on the minus strand); the first of 5 consecutive C bases (chr21:43,065,497-43,065,501); duplicating any one gives the same sequence. VCF-style (leftmost placement, unchanged base first): chr21-43065496-G-GC. GRCh37 (hg19) VCF-style: chr21-44485606-G-GC.
Other names: c.556dup, p.Ala186fs (NM_001178008.3, NM_001178009.3, NM_001320298.2); c.241dup, p.Ala81fs (NM_001321072.1); short protein forms A186fs, A81fs.
Identifiers: ClinVar variation 3383121 (VCV003383121.2).
Genomic context (GRCh38, chr21:43,065,496, plus strand): 5'-ACCCCCACGTGTGACTCCGGGGAGTCGAACCTGGCATTGGTGGGCGTCCTCACAATCTCA[G>GC]CCCCCAGTGCCCGCAGCACGTCCACCTGCAGGAGGGAAAGCGGTGGCCTGCACCTTCCGC-3'